The following is an entry in ClinVar:

NM_024642.5(GALNT12):c.1538T>G (p.Met513Arg)

Gene: GALNT12 (polypeptide N-acetylgalactosaminyltransferase 12; plus strand). Cytogenetic location: 9q22.33.
Variant type: single nucleotide variant.
Coding change: c.1538T>G on transcript NM_024642.5 (MANE Select); coding-DNA position 1538, T replaced by G.
Protein change: p.Met513Arg; replaces methionine 513 with arginine.
Molecular consequence: missense variant.
Genome position (GRCh38, 1-based): chr9:98,846,056, T>G. VCF-style: chr9-98846056-T-G. GRCh37 (hg19) VCF-style: chr9-101608338-T-G.
Other names: short protein forms M513R.
Identifiers: ClinVar variation 3518496 (VCV003518496.1).

ClinVar aggregate classification (germline): Uncertain significance (1 of 4 stars; one submission).

Submission:

Ambry Genetics
Classification: Uncertain significance. Last evaluated: 2024-08-27. Review status: criteria provided, single submitter. Criteria: Ambry Variant Classification Scheme 2023. Collection method: clinical testing. Allele origin: germline.
Comment: The p.M513R variant (also known as c.1538T>G), located in coding exon 9 of the GALNT12 gene, results from a T to G substitution at nucleotide position 1538. The methionine at codon 513 is replaced by arginine, an amino acid with similar properties. This amino acid position is conserved. In addition, this alteration is predicted to be tolerated by in silico analysis. Based on the available evidence, the clinical significance of this variant remains unclear.